The following is an entry in ClinVar:

ClinVar aggregate classification (germline): Uncertain significance (1 of 4 stars; one submission).

Conditions:
Cardiomyopathy (CMYO). Also called: Cardiomyopathies. Identifiers: Orphanet 167848, MedGen C0878544, MONDO:0004994, HP:0001638. Inheritance: Various modes of inheritance.

gnomAD v4.1: 1 of 1,614,022 alleles (0.000062%); highest among the groups gnomAD compares: Non-Finnish European, 0.000085%; no homozygotes.

Submission:

Color Diagnostics, LLC DBA Color Health
Classification: Uncertain significance for Cardiomyopathy. Last evaluated: 2024-03-06. Review status: criteria provided, single submitter. Criteria: ACMG Guidelines, 2015. Collection method: clinical testing. Allele origin: germline.
Comment: This missense variant replaces glutamic acid with glycine at codon 1867 of the RYR2 protein. Computational prediction suggests that this variant may not impact protein structure and function (internally defined REVEL score threshold <= 0.5, PMID: 27666373). To our knowledge, functional studies have not been reported for this variant. This variant has not been reported in individuals affected with cardiovascular disorders in the literature. This variant has not been identified in the general population by the Genome Aggregation Database (gnomAD). The available evidence is insufficient to determine the role of this variant in disease conclusively. Therefore, this variant is classified as a Variant of Uncertain Significance.

NM_001035.3(RYR2):c.5600A>G (p.Glu1867Gly)

Gene: RYR2 (ryanodine receptor 2; plus strand). Cytogenetic location: 1q43.
Variant type: single nucleotide variant.
Coding change: c.5600A>G on transcript NM_001035.3 (MANE Select); coding-DNA position 5600, A replaced by G.
Protein change: p.Glu1867Gly; replaces glutamic acid 1867 with glycine.
Molecular consequence: missense variant.
Genome position (GRCh38, 1-based): chr1:237,614,728, A>G. VCF-style: chr1-237614728-A-G. GRCh37 (hg19) VCF-style: chr1-237778028-A-G.
Other names: short protein forms E1867G.
Identifiers: ClinVar variation 1331767 (VCV001331767.3), dbSNP rs539021736, ClinGen allele CA345405400.